The following is an entry in ClinVar:

ClinVar aggregate classification (germline): Uncertain significance (1 of 4 stars; one submission).

Conditions:
TP63-Related Spectrum Disorders.

Submission:

Labcorp Genetics (formerly Invitae), Labcorp
Classification: Uncertain significance. Last evaluated: 2025-01-29. Review status: criteria provided, single submitter. Criteria: Invitae Variant Classification Sherloc (09022015). Collection method: clinical testing. Allele origin: germline.
Comment: This sequence change replaces threonine, which is neutral and polar, with asparagine, which is neutral and polar, at codon 494 of the TP63 protein (p.Thr494Asn). This variant is not present in population databases (gnomAD no frequency). This variant has not been reported in the literature in individuals affected with TP63-related conditions. Invitae Evidence Modeling of protein sequence and biophysical properties (such as structural, functional, and spatial information, amino acid conservation, physicochemical variation, residue mobility, and thermodynamic stability) indicates that this missense variant is not expected to disrupt TP63 protein function with a negative predictive value of 80%. In summary, the available evidence is currently insufficient to determine the role of this variant in disease. Therefore, it has been classified as a Variant of Uncertain Significance.

NM_003722.5(TP63):c.1481C>A (p.Thr494Asn)

Gene: TP63 (tumor protein p63; plus strand). Cytogenetic location: 3q28.
Variant type: single nucleotide variant.
Coding change: c.1481C>A on transcript NM_003722.5 (MANE Select); coding-DNA position 1481, C replaced by A.
Protein change: p.Thr494Asn; replaces threonine 494 with asparagine.
Molecular consequence: missense variant.
Genome position (GRCh38, 1-based): chr3:189,886,525, C>A. VCF-style: chr3-189886525-C-A. GRCh37 (hg19) VCF-style: chr3-189604314-C-A.
Other names: c.944C>A, p.Thr315Asn (NM_001329146.2); c.1469C>A, p.Thr490Asn (NM_001329148.2); c.1187C>A, p.Thr396Asn (NM_001329149.2); c.932C>A, p.Thr311Asn (NM_001329150.2); c.1475C>A, p.Thr492Asn (NM_001329964.2); c.1481C>A, p.Thr494Asn (NM_001114978.2, NM_001329144.2); c.1199C>A, p.Thr400Asn (NM_001114980.2, NM_001114981.2, NM_001329145.2); short protein forms T490N, T494N, T315N, T400N, T492N, T396N, T311N.
Identifiers: ClinVar variation 3721052 (VCV003721052.1).